The following is an entry in ClinVar:

NM_178857.6(RP1L1):c.377C>T (p.Ala126Val)

Gene: RP1L1 (RP1 like 1). Cytogenetic location: 8p23.1.
Variant type: single nucleotide variant.
Coding change: c.377C>T on transcript NM_178857.6 (MANE Select); coding-DNA position 377, C replaced by T.
Protein change: p.Ala126Val; replaces alanine 126 with valine.
Molecular consequence: missense variant.
Genome position (GRCh38, 1-based): chr8:10,622,825, G>A on the plus strand (C>T on the coding strand, the complement: RP1L1 is on the minus strand). VCF-style: chr8-10622825-G-A. GRCh37 (hg19) VCF-style: chr8-10480335-G-A.
Other names: short protein forms A126V.
Identifiers: ClinVar variation 2065705 (VCV002065705.4), dbSNP rs1260749096, ClinGen allele CA370300357.

ClinVar aggregate classification (germline): Uncertain significance (1 of 4 stars; one submission).

gnomAD v4.1: 3 of 1,613,578 alleles (0.00019%); highest among the groups gnomAD compares: Non-Finnish European, 0.00017%; no homozygotes.

Submission:

Labcorp Genetics (formerly Invitae), Labcorp
Classification: Uncertain significance. Last evaluated: 2022-08-09. Review status: criteria provided, single submitter. Criteria: Invitae Variant Classification Sherloc (09022015). Collection method: clinical testing. Allele origin: germline.
Comment: This sequence change replaces alanine, which is neutral and non-polar, with valine, which is neutral and non-polar, at codon 126 of the RP1L1 protein (p.Ala126Val). In summary, the available evidence is currently insufficient to determine the role of this variant in disease. Therefore, it has been classified as a Variant of Uncertain Significance. Advanced modeling of protein sequence and biophysical properties (such as structural, functional, and spatial information, amino acid conservation, physicochemical variation, residue mobility, and thermodynamic stability) performed at Invitae indicates that this missense variant is not expected to disrupt RP1L1 protein function. This variant has not been reported in the literature in individuals affected with RP1L1-related conditions. This variant is present in population databases (no rsID available, gnomAD 0.006%).